The following is an entry in ClinVar:

ClinVar aggregate classification (germline): Conflicting classifications of pathogenicity. Review status: criteria provided, conflicting classifications (1 of 4 stars). 4 submissions from 4 submitters: Likely pathogenic (1); Uncertain significance (3). Last evaluated 2024-11-15.

Conditions:
Polycystic kidney disease, adult type (PKD1). Also called: POLYCYSTIC KIDNEY DISEASE, ADULT, TYPE I; Polycystic Kidney Disease 1, Autosomal Dominant; Polycystic kidney disease 1; Polycystic kidney disease 1, severe; Polycystic Kidney, Autosomal Dominant; POLYCYSTIC KIDNEY DISEASE 1 WITH OR WITHOUT POLYCYSTIC LIVER DISEASE. Identifiers: MedGen C3149841, MONDO:0008263, OMIM 173900.

Submissions (4):

Department of Pathology and Laboratory Medicine, Sinai Health System
Classification: Uncertain significance for Polycystic kidney disease, adult type. Last evaluated: 2024-11-15. Review status: criteria provided, single submitter. Criteria: ACMG Guidelines, 2015. Collection method: clinical testing. Allele origin: germline.

GeneDx
Classification: Likely pathogenic. Last evaluated: 2024-05-20. Review status: criteria provided, single submitter. Criteria: GeneDx Variant Classification Process June 2021. Collection method: clinical testing. Allele origin: germline. Affected: yes.
Comment: Not observed at significant frequency in large population cohorts (gnomAD); In silico analysis supports that this missense variant has a deleterious effect on protein structure/function; Has not been previously published as pathogenic or benign to our knowledge

Fulgent Genetics
Classification: Uncertain significance for Polycystic kidney disease, adult type. Last evaluated: 2024-04-22. Review status: criteria provided, single submitter. Criteria: ACMG Guidelines, 2015. Collection method: clinical testing. Allele origin: germline.

Juno Genomics, Hangzhou Juno Genomics, Inc
Classification: Uncertain significance for Polycystic kidney disease, adult type. Review status: criteria provided, single submitter. Criteria: ACMG Guidelines, 2015. Collection method: clinical testing. Allele origin: germline. Affected: yes.
Comment: Absent from controls (or at extremely low frequency if recessive) in Genome Aggregation Database, Exome Sequencing Project, 1000 Genomes Project, or Exome Aggregation Consortium.;Multiple lines of computational evidence support a deleterious effect on the gene or gene product (conservation, evolutionary, splicing impact, etc).;Patient's phenotype or family history is highly specific for a disease with a single genetic etiology.

NM_001009944.3(PKD1):c.11720T>G (p.Leu3907Arg)

Gene: PKD1 (polycystin 1, transient receptor potential channel interacting; minus strand). Cytogenetic location: 16p13.3.
Variant type: single nucleotide variant.
Coding change: c.11720T>G on transcript NM_001009944.3 (MANE Select); coding-DNA position 11720, T replaced by G.
Protein change: p.Leu3907Arg; replaces leucine 3907 with arginine.
Molecular consequence: missense variant.
Genome position (GRCh38, 1-based): chr16:2,091,167, A>C on the plus strand (T>G on the coding strand, the complement: PKD1 is on the minus strand). VCF-style: chr16-2091167-A-C. GRCh37 (hg19) VCF-style: chr16-2141168-A-C.
Other names: c.11717T>G, p.Leu3906Arg (NM_000296.4); short protein forms L3906R, L3907R.
Identifiers: ClinVar variation 3381378 (VCV003381378.5).